The following is an entry in ClinVar:

NM_001145809.2(MYH14):c.1463C>T (p.Ala488Val)

Gene: MYH14 (myosin heavy chain 14; plus strand). Cytogenetic location: 19q13.33.
Variant type: single nucleotide variant.
Coding change: c.1463C>T on transcript NM_001145809.2 (MANE Select); coding-DNA position 1463, C replaced by T.
Protein change: p.Ala488Val; replaces alanine 488 with valine.
Molecular consequence: missense variant.
Genome position (GRCh38, 1-based): chr19:50,249,120, C>T. VCF-style: chr19-50249120-C-T. GRCh37 (hg19) VCF-style: chr19-50752377-C-T.
Other names: c.1463C>T, p.Ala488Val (NM_001077186.2); c.1439C>T, p.Ala480Val (NM_024729.4); short protein forms A488V, A480V.
Identifiers: ClinVar variation 2981818 (VCV002981818.3), dbSNP rs765142655, ClinGen allele CA9592637.
Genomic context (GRCh38, chr19:50,249,120, plus strand): 5'-ACCGGGCCTTGGACCGCAGCCCCCGCCAAGGCGCCTCCTTCCTGGGCATCCTGGACATCG[C>T]GGGCTTTGAGATCTTCCAGGTCCACCCTTGTGCTGGGAGGGGGATGCCAACTTCCTCACT-3'
Protein context (NP_001139281.1, residues 478-498): GASFLGILDI[Ala488Val]GFEIFQLNSF

ClinVar aggregate classification (germline): Uncertain significance (1 of 4 stars; one submission).

Allele frequency attached by ClinVar (database versions not stated): gnomAD 0.00001; gnomAD exomes 0.00001; TOPMed 0.00001; ExAC 0.00005.
gnomAD v4.1: 12 of 1,588,972 alleles (0.00076%); highest among the groups gnomAD compares: Admixed American, 0.0071%; no homozygotes.

Submission:

Labcorp Genetics (formerly Invitae), Labcorp
Classification: Uncertain significance. Last evaluated: 2024-06-12. Review status: criteria provided, single submitter. Criteria: Invitae Variant Classification Sherloc (09022015). Collection method: clinical testing. Allele origin: germline.
Comment: This sequence change replaces alanine, which is neutral and non-polar, with valine, which is neutral and non-polar, at codon 480 of the MYH14 protein (p.Ala480Val). The frequency data for this variant in the population databases is considered unreliable, as metrics indicate poor data quality at this position in the gnomAD database. This variant has not been reported in the literature in individuals affected with MYH14-related conditions. Advanced modeling of protein sequence and biophysical properties (such as structural, functional, and spatial information, amino acid conservation, physicochemical variation, residue mobility, and thermodynamic stability) performed at Invitae indicates that this missense variant is expected to disrupt MYH14 protein function with a positive predictive value of 80%. In summary, the available evidence is currently insufficient to determine the role of this variant in disease. Therefore, it has been classified as a Variant of Uncertain Significance.